The following is an entry in ClinVar:

NM_001290321.3(DMXL1):c.996A>G (p.Gly332=)

Gene: DMXL1 (Dmx like 1; plus strand). Cytogenetic location: 5q23.1.
Variant type: single nucleotide variant.
Coding change: c.996A>G on transcript NM_001290321.3 (MANE Select); coding-DNA position 996, A replaced by G.
Protein change: p.Gly332=; no amino-acid change (glycine 332 retained).
Molecular consequence: synonymous variant. On other transcripts: non-coding transcript variant (3).
Genome position (GRCh38, 1-based): chr5:119,121,033, A>G. VCF-style: chr5-119121033-A-G. GRCh37 (hg19) VCF-style: chr5-118456728-A-G.
Other names: c.996A>G, p.Gly332= (NM_001349239.2, NM_001349240.2, NM_001387933.1 and 4 more transcripts).
Identifiers: ClinVar variation 3030045 (VCV003030045.2), dbSNP rs1006859606, ClinGen allele CA126346676.

ClinVar aggregate classification (germline): Likely benign (0 of 4 stars; one submission).

Conditions:
DMXL1-related disorder. Also called: DMXL1-related condition.

Allele frequency attached by ClinVar (database versions not stated): gnomAD 0.00002; TOPMed 0.00002.
gnomAD v4.1: 13 of 1,613,624 alleles (0.00081%); highest among the groups gnomAD compares: African/African-American, 0.008%; no homozygotes.

Submission:

PreventionGenetics, part of Exact Sciences
Classification: Likely benign for DMXL1-related condition. Last evaluated: 2024-01-31. Review status: no assertion criteria provided. Collection method: clinical testing. Allele origin: germline.
Comment: This variant is classified as likely benign based on ACMG/AMP sequence variant interpretation guidelines (Richards et al. 2015 PMID: 25741868, with internal and published modifications).